The following is an entry in ClinVar:

NM_001385012.1(NBEA):c.3092C>A (p.Thr1031Lys)

Gene: NBEA (neurobeachin; plus strand). Cytogenetic location: 13q13.3.
Variant type: single nucleotide variant.
Coding change: c.3092C>A on transcript NM_001385012.1 (MANE Select); coding-DNA position 3092, C replaced by A.
Protein change: p.Thr1031Lys; replaces threonine 1031 with lysine.
Molecular consequence: missense variant.
Genome position (GRCh38, 1-based): chr13:35,159,263, C>A. VCF-style: chr13-35159263-C-A. GRCh37 (hg19) VCF-style: chr13-35733400-C-A.
Other names: c.3092C>A, p.Thr1031Lys (NM_001379245.1, NM_015678.5); short protein forms T1031K.
Identifiers: ClinVar variation 3362300 (VCV003362300.3).
Genomic context (GRCh38, chr13:35,159,263, plus strand): 5'-GCCCAGAAAGTGAGACCGATTACCCTGTCAGCACAGATACTCGAGACTTACTCATGTCAA[C>A]AAAAGTGTCAGATGATATTCTTGGAAATTCAGATAGACCAGGAAGTGGTGTACATGTGGA-3'
Protein context (NP_001371941.1, residues 1021-1041): STDTRDLLMS[Thr1031Lys]KVSDDILGNS

ClinVar aggregate classification (germline): Uncertain significance (1 of 4 stars; one submission).

Conditions:
Neurodevelopmental disorder with or without early-onset generalized epilepsy. Identifiers: MedGen C5436914, MONDO:0030930, OMIM 619157.

Submission:

Neuberg Centre For Genomic Medicine, NCGM
Classification: Uncertain significance for Neurodevelopmental disorder with or without early-onset generalized epilepsy. Last evaluated: 2023-05-20. Review status: criteria provided, single submitter. Criteria: ACMG Guidelines, 2015. Collection method: clinical testing. Allele origin: germline. Inheritance: Autosomal dominant inheritance. Affected: yes.
Comment: The observed missense c.3092C>A(p.Thr1031Lys) variant in NBEA gene has not been reported previously as a pathogenic variant nor as a benign variant, to our knowledge. This variant is absent in gnomAD Exomes. The amino acid Thr at position 1031 is changed to a Lys changing protein sequence and it might alter its composition and physico-chemical properties. The amino acid change p.Thr1031Lys in NBEA is predicted as conserved by GERP++ and PhyloP across 100 vertebrates. Computational evidence (Polyphen - Benign, SIFT - Tolerated, and MutationTaster - Polymorphism) predicts conflicting evidence on protein structure and function for this variant. For these reasons, this variant has been classified as Uncertain Significance.